The following is an entry in ClinVar:

ClinVar aggregate classification (germline): Uncertain significance (1 of 4 stars; one submission).

Conditions:
FG syndrome (FGS). Identifiers: MedGen C0220769, MONDO:0002010.

Allele frequency attached by ClinVar (database versions not stated): gnomAD exomes below 0.00001.
gnomAD v4.1: 2 of 1,211,782 alleles (0.00017%); highest among the groups gnomAD compares: Non-Finnish European, 0.00022%; no homozygotes.

Submission:

Labcorp Genetics (formerly Invitae), Labcorp
Classification: Uncertain significance for FG syndrome. Last evaluated: 2025-10-13. Review status: criteria provided, single submitter. Criteria: Invitae Variant Classification Sherloc (09022015). Collection method: clinical testing. Allele origin: germline.
Comment: This sequence change replaces arginine, which is basic and polar, with tryptophan, which is neutral and slightly polar, at codon 303 of the MED12 protein (p.Arg303Trp). This variant is not present in population databases (gnomAD no frequency). This variant has not been reported in the literature in individuals affected with MED12-related conditions. ClinVar contains an entry for this variant (Variation ID: 3011922). Invitae Evidence Modeling of protein sequence and biophysical properties (such as structural, functional, and spatial information, amino acid conservation, physicochemical variation, residue mobility, and thermodynamic stability) indicates that this missense variant is expected to disrupt MED12 protein function with a positive predictive value of 95%. In summary, the available evidence is currently insufficient to determine the role of this variant in disease. Therefore, it has been classified as a Variant of Uncertain Significance.

NM_005120.3(MED12):c.907C>T (p.Arg303Trp)

Gene: MED12 (mediator complex subunit 12; plus strand). Cytogenetic location: Xq13.1.
Variant type: single nucleotide variant.
Coding change: c.907C>T on transcript NM_005120.3 (MANE Select); coding-DNA position 907, C replaced by T.
Protein change: p.Arg303Trp; replaces arginine 303 with tryptophan.
Molecular consequence: missense variant.
Genome position (GRCh38, 1-based): chrX:71,121,622, C>T. VCF-style: chrX-71121622-C-T. GRCh37 (hg19) VCF-style: chrX-70341472-C-T.
Other names: short protein forms R303W.
Identifiers: ClinVar variation 3011922 (VCV003011922.3), dbSNP rs2147779601, ClinGen allele CA413504567.